The following is an entry in ClinVar:

ClinVar aggregate classification (germline): Uncertain significance (1 of 4 stars; one submission).

Submission:

GeneDx
Classification: Uncertain significance. Last evaluated: 2025-02-03. Review status: criteria provided, single submitter. Criteria: GeneDx Variant Classification Process June 2021. Collection method: clinical testing. Allele origin: germline.
Comment: Not observed at significant frequency in large population cohorts (gnomAD); In silico analysis supports that this missense variant has a deleterious effect on protein structure/function; Has not been previously published as pathogenic or benign to our knowledge

NM_015295.3(SMCHD1):c.5888C>T (p.Pro1963Leu)

Gene: SMCHD1 (structural maintenance of chromosomes flexible hinge domain containing 1; plus strand). Cytogenetic location: 18p11.32.
Variant type: single nucleotide variant.
Coding change: c.5888C>T on transcript NM_015295.3 (MANE Select); coding-DNA position 5888, C replaced by T.
Protein change: p.Pro1963Leu; replaces proline 1963 with leucine.
Molecular consequence: missense variant.
Genome position (GRCh38, 1-based): chr18:2,796,416, C>T. VCF-style: chr18-2796416-C-T. GRCh37 (hg19) VCF-style: chr18-2796414-C-T.
Other names: short protein forms P1963L.
Identifiers: ClinVar variation 3365567 (VCV003365567.2).